The following is an entry in ClinVar:

ClinVar aggregate classification (germline): Pathogenic (1 of 4 stars; one submission).

Conditions:
Leukodystrophy, Adult-Onset. Identifiers: MedGen CN239186.

Submission:

Cambridge Genomics Laboratory, East Genomic Laboratory Hub, NHS Genomic Medicine Service
Classification: Pathogenic for Adult onset leukodystrophy. Last evaluated: 2023-12-14. Review status: criteria provided, single submitter. Criteria: ACGS Best Practice Guidelines for Variant Classification in Rare Disease 2020. Collection method: clinical testing. Allele origin: germline. Affected: yes.
Comment: The missense variant NM_000435.3(NOTCH3):c.1163G>A (p.Cys388Tyr) causes a change at the same amino acid residue as a previously established pathogenic variant. (PM5 - Moderate) | The p.Cys388Tyr variant is novel (not in any individuals) in gnomAD All. The p.Cys388Tyr variant is novel (not in any individuals) in 1kG All. The p.Cys388Tyr variant is novel (not in any individuals) in gnomAD Genomes v3 All. (PM2 - Moderate) | The gene NOTCH3 has a low rate of benign missense variation as indicated by a high missense variants Z-Score of 3.53. The gene NOTCH3 contains 218 pathogenic missense variants, indicating that missense variants are a common mechanism of disease in this gene. (PP2 - Supporting) | There are no benign variants within 3 amino acid positions of the variant p.Cys388Tyr. (PM1_Strong - Strong) | The p.Cys388Tyr missense variant is predicted to be damaging by both SIFT and PolyPhen2. The cysteine residue at codon 388 of NOTCH3 is conserved in all mammalian species. The nucleotide c.1163 in NOTCH3 is predicted conserved by GERP++ and PhyloP across 100 vertebrates. (PP3 - Supporting) | The patient's phenotype or family history is highly specific for a disease with a single genetic etiology. (PP4 - Supporting)

NM_000435.3(NOTCH3):c.1163G>A (p.Cys388Tyr)

Gene: NOTCH3 (notch receptor 3; minus strand). Cytogenetic location: 19p13.12.
Variant type: single nucleotide variant.
Coding change: c.1163G>A on transcript NM_000435.3 (MANE Select); coding-DNA position 1163, G replaced by A.
Protein change: p.Cys388Tyr; replaces cysteine 388 with tyrosine.
Molecular consequence: missense variant.
Genome position (GRCh38, 1-based): chr19:15,189,302, C>T on the plus strand (G>A on the coding strand, the complement: NOTCH3 is on the minus strand). VCF-style: chr19-15189302-C-T. GRCh37 (hg19) VCF-style: chr19-15300113-C-T.
Other names: short protein forms C388Y.
Identifiers: ClinVar variation 4812867 (VCV004812867.1).